The following is an entry in ClinVar:

NM_001386140.1(MTTP):c.552A>T (p.Lys184Asn)

Gene: MTTP (microsomal triglyceride transfer protein; plus strand). Cytogenetic location: 4q23.
Variant type: single nucleotide variant.
Coding change: c.552A>T on transcript NM_001386140.1 (MANE Select); coding-DNA position 552, A replaced by T.
Protein change: p.Lys184Asn; replaces lysine 184 with asparagine.
Molecular consequence: missense variant.
Genome position (GRCh38, 1-based): chr4:99,591,285, A>T. VCF-style: chr4-99591285-A-T. GRCh37 (hg19) VCF-style: chr4-100512442-A-T.
Other names: p.Lys184Asn; c.552A>T, p.Lys184Asn (NM_000253.4); c.303A>T, p.Lys101Asn (NM_001300785.2); short protein forms K184N, K101N.
Identifiers: ClinVar variation 501124 (VCV000501124.29), dbSNP rs144315111, ClinGen allele CA3021885.
Genomic context (GRCh38, chr4:99,591,285, plus strand): 5'-TTCTTTTTAGGTAGATATCTCTGGAAATTGTAAAGTGACCTACCAGGCTCATCAAGACAA[A>T]GTGATCAAAATTAAGGCCTTGGATTCATGCAAAATAGCGAGGTCTGGATTTACGACCCCA-3'
Protein context (NP_001373069.1, residues 174-194): CKVTYQAHQD[Lys184Asn]VIKIKALDSC

ClinVar aggregate classification (germline): Likely benign. Review status: criteria provided, multiple submitters, no conflicts (2 of 4 stars). 9 submissions from 9 submitters: Likely benign (7). 2 of the submissions do not count toward it. Last evaluated 2026-05-01.

Conditions:
MTTP-related disorder. Also called: MTTP-related condition.
Abetalipoproteinaemia (ABL). Also called: MTP DEFICIENCY; Abetalipoproteinemia; Abetalipoproteinemia neuropathy; Apolipoprotein B deficiency; Congenital betalipoprotein deficiency syndrome. Identifiers: Orphanet 14, MedGen C0000744, MONDO:0008692, OMIM 200100, HP:0008181.

Allele frequency attached by ClinVar (database versions not stated): 1000 Genomes Project 0.00120; 1000 Genomes Project 30x 0.00141; ESP Exome Variant Server 0.00223; gnomAD 0.00250 and 0.00267; TOPMed 0.00311; gnomAD exomes 0.00027 and 0.00059; ExAC 0.00073.
gnomAD v4.1: 786 of 1,614,098 alleles (0.049%); highest among the groups gnomAD compares: African/African-American, 0.9%; 2 homozygotes.

Submissions (9):

CeGaT Center for Human Genetics Tuebingen
Classification: Likely benign. Last evaluated: 2026-05-01. Review status: criteria provided, single submitter. Criteria: CeGaT Center For Human Genetics Tuebingen Variant Classification Criteria Version 2. Collection method: clinical testing. Allele origin: germline. Affected: yes. Observed: 3 variant alleles.
Comment: MTTP: BP4

Labcorp Genetics (formerly Invitae), Labcorp
Classification: Likely benign. Last evaluated: 2026-01-28. Review status: criteria provided, single submitter. Criteria: Invitae Variant Classification Sherloc (09022015). Collection method: clinical testing. Allele origin: germline.

Mayo Clinic Laboratories, Mayo Clinic
Classification: Likely benign. Last evaluated: 2025-06-09. Review status: criteria provided, single submitter. Criteria: ACMG Guidelines, 2015. Collection method: clinical testing. Allele origin: germline. Observed: 3 variant alleles.
Comment: BS1, BP4_moderate

Blueprint Genetics
Classification: Likely benign. Last evaluated: 2024-10-21. Review status: criteria provided, single submitter. Criteria: ACMG Guidelines, 2015. Collection method: clinical testing. Allele origin: germline.

GeneDx
Classification: Likely benign. Last evaluated: 2021-06-22. Review status: criteria provided, single submitter. Criteria: GeneDx Variant Classification Process June 2021. Collection method: clinical testing. Allele origin: germline. Affected: yes.

Clinical Genetics DNA and cytogenetics Diagnostics Lab, Erasmus MC, Erasmus Medical Center
Classification: Likely benign for Abetalipoproteinaemia. Last evaluated: 2017-11-15. Review status: criteria provided, single submitter. Criteria: ACGS Guidelines, 2013. Collection method: clinical testing. Allele origin: germline. Affected: yes. Study: VKGL Data-share Consensus.

Eurofins Ntd Llc (ga)
Classification: Likely benign. Last evaluated: 2017-04-17. Review status: criteria provided, single submitter. Criteria: EGL Classification Definitions 2015. Collection method: clinical testing. Allele origin: germline. Observed: 1 variant allele, 1 heterozygote.

PreventionGenetics, part of Exact Sciences
Classification: Likely benign for MTTP-related condition. Last evaluated: 2019-11-11. Review status: no assertion criteria provided. Collection method: clinical testing. Allele origin: germline. Not counted in ClinVar's aggregate classification.
Comment: This variant is classified as likely benign based on ACMG/AMP sequence variant interpretation guidelines (Richards et al. 2015 PMID: 25741868, with internal and published modifications).

Clinical Genetics, Academic Medical Center
Classification: Likely benign. Review status: no assertion criteria provided. Collection method: clinical testing. Allele origin: germline. Affected: yes. Study: VKGL Data-share Consensus. Not counted in ClinVar's aggregate classification.